The following is an entry in ClinVar:

ClinVar aggregate classification (germline): Uncertain significance. Review status: criteria provided, multiple submitters, no conflicts (2 of 4 stars). 2 submissions from 2 submitters: Uncertain significance (2). Last evaluated 2024-08-01.

Conditions:
Dilated cardiomyopathy 1J (CMD1J). Also called: CARDIOMYOPATHY, DILATED, WITH SENSORINEURAL HEARING LOSS, AUTOSOMAL DOMINANT. Identifiers: Orphanet 217622, MedGen C1854368, MONDO:0011541, OMIM 605362.
Cardiovascular phenotype. Identifiers: MedGen CN230736.

gnomAD v4.1: 1 of 1,609,810 alleles (0.000062%); highest among the groups gnomAD compares: Non-Finnish European, 0.000085%; no homozygotes.

Submissions (2):

Labcorp Genetics (formerly Invitae), Labcorp
Classification: Uncertain significance for Dilated cardiomyopathy 1J. Last evaluated: 2024-08-01. Review status: criteria provided, single submitter. Criteria: Invitae Variant Classification Sherloc (09022015). Collection method: clinical testing. Allele origin: germline.
Comment: This sequence change replaces glutamic acid, which is acidic and polar, with aspartic acid, which is acidic and polar, at codon 428 of the EYA4 protein (p.Glu428Asp). This variant is not present in population databases (gnomAD no frequency). This variant has not been reported in the literature in individuals affected with EYA4-related conditions. An algorithm developed to predict the effect of missense changes on protein structure and function (PolyPhen-2) suggests that this variant is likely to be disruptive. In summary, the available evidence is currently insufficient to determine the role of this variant in disease. Therefore, it has been classified as a Variant of Uncertain Significance.

Ambry Genetics
Classification: Uncertain significance for Cardiovascular phenotype. Last evaluated: 2023-09-22. Review status: criteria provided, single submitter. Criteria: Ambry Variant Classification Scheme 2023. Collection method: clinical testing. Allele origin: germline.
Comment: The p.E428D variant (also known as c.1284G>C), located in coding exon 14 of the EYA4 gene, results from a G to C substitution at nucleotide position 1284. The glutamic acid at codon 428 is replaced by aspartic acid, an amino acid with highly similar properties. This amino acid position is conserved. In addition, the in silico prediction for this alteration is inconclusive. Since supporting evidence is limited at this time, the clinical significance of this alteration remains unclear.

NM_004100.5(EYA4):c.1284G>C (p.Glu428Asp)

Genes: TARID (TCF21 antisense RNA inducing promoter demethylation; minus strand), EYA4 (EYA transcriptional coactivator and phosphatase 4; plus strand). Cytogenetic location: 6q23.2.
Variant type: single nucleotide variant.
Coding change: c.1284G>C on transcript NM_004100.5 (MANE Select); coding-DNA position 1284, G replaced by C.
Protein change: p.Glu428Asp; replaces glutamic acid 428 with aspartic acid.
Molecular consequence: missense variant.
Genome position (GRCh38, 1-based): chr6:133,512,723, G>C. VCF-style: chr6-133512723-G-C. GRCh37 (hg19) VCF-style: chr6-133833861-G-C.
Other names: c.1284G>C (NM_004100.4); c.1122G>C, p.Glu374Asp (NM_001301012.2); c.1302G>C, p.Glu434Asp (NM_001301013.2); c.1215G>C, p.Glu405Asp (NM_001370458.1, NM_172103.4); c.1140G>C, p.Glu380Asp (NM_001370459.1); c.1284G>C, p.Glu428Asp (NM_172105.4); short protein forms E428D, E380D, E405D, E374D, E434D.
Identifiers: ClinVar variation 2973068 (VCV002973068.4), dbSNP rs773085937, ClinGen allele CA365714521.